The following is an entry in ClinVar:

NM_032444.4(SLX4):c.101A>T (p.Gln34Leu)

Gene: SLX4 (SLX4 structure-specific endonuclease subunit; minus strand). Cytogenetic location: 16p13.3.
Variant type: single nucleotide variant.
Coding change: c.101A>T on transcript NM_032444.4 (MANE Select); coding-DNA position 101, A replaced by T.
Protein change: p.Gln34Leu; replaces glutamine 34 with leucine.
Molecular consequence: missense variant.
Genome position (GRCh38, 1-based): chr16:3,608,864, T>A on the plus strand (A>T on the coding strand, the complement: SLX4 is on the minus strand). VCF-style: chr16-3608864-T-A. GRCh37 (hg19) VCF-style: chr16-3658865-T-A.
Other names: short protein forms Q34L.
Identifiers: ClinVar variation 1380384 (VCV001380384.6), dbSNP rs1567178416, ClinGen allele CA394547960.

ClinVar aggregate classification (germline): Uncertain significance (1 of 4 stars; one submission).

Conditions:
Fanconi anemia (FA). Also called: Fanconi's anemia. Identifiers: Orphanet 84, MedGen C0015625, MeSH D005199, MONDO:0019391.

gnomAD v4.1: 1 of 1,614,198 alleles (0.000062%); no homozygotes.

Submission:

Labcorp Genetics (formerly Invitae), Labcorp
Classification: Uncertain significance for Fanconi anemia. Last evaluated: 2024-04-26. Review status: criteria provided, single submitter. Criteria: Invitae Variant Classification Sherloc (09022015). Collection method: clinical testing. Allele origin: germline.
Comment: This sequence change replaces glutamine, which is neutral and polar, with leucine, which is neutral and non-polar, at codon 34 of the SLX4 protein (p.Gln34Leu). This variant is not present in population databases (gnomAD no frequency). This variant has not been reported in the literature in individuals affected with SLX4-related conditions. ClinVar contains an entry for this variant (Variation ID: 1380384). An algorithm developed to predict the effect of missense changes on protein structure and function (PolyPhen-2) suggests that this variant is likely to be tolerated. In summary, the available evidence is currently insufficient to determine the role of this variant in disease. Therefore, it has been classified as a Variant of Uncertain Significance.